The following is an entry in ClinVar:

ClinVar aggregate classification (germline): Likely benign (1 of 4 stars; one submission).

Allele frequency attached by ClinVar (database versions not stated): gnomAD exomes below 0.00001 and 0.00001; gnomAD 0.00001; TOPMed 0.00001; ExAC 0.00002.
gnomAD v4.1: 17 of 1,613,598 alleles (0.0011%); highest among the groups gnomAD compares: African/African-American, 0.0013%; no homozygotes.

Submission:

GeneDx
Classification: Likely benign. Last evaluated: 2018-01-22. Review status: criteria provided, single submitter. Criteria: GeneDx Variant Classification (06012015). Collection method: clinical testing. Allele origin: germline. Affected: yes.
Comment: This variant is considered likely benign or benign based on one or more of the following criteria: it is a conservative change, it occurs at a poorly conserved position in the protein, it is predicted to be benign by multiple in silico algorithms, and/or has population frequency not consistent with disease.

NM_024876.4(COQ8B):c.96C>T (p.His32=)

Gene: COQ8B (coenzyme Q8B; minus strand). Cytogenetic location: 19q13.2.
Variant type: single nucleotide variant.
Coding change: c.96C>T on transcript NM_024876.4 (MANE Select); coding-DNA position 96, C replaced by T.
Protein change: p.His32=; no amino-acid change (histidine 32 retained).
Molecular consequence: synonymous variant.
Genome position (GRCh38, 1-based): chr19:40,714,537, G>A on the plus strand (C>T on the coding strand, the complement: COQ8B is on the minus strand). VCF-style: chr19-40714537-G-A. GRCh37 (hg19) VCF-style: chr19-41220442-G-A.
Other names: c.96C>T, p.His32= (NM_001142555.3).
Identifiers: ClinVar variation 514440 (VCV000514440.1), dbSNP rs755263013, ClinGen allele CA9450554.